The following is an entry in ClinVar:

NM_001277115.2(DNAH11):c.2746G>A (p.Val916Met)

Gene: DNAH11 (dynein axonemal heavy chain 11; plus strand). Cytogenetic location: 7p15.3.
Variant type: single nucleotide variant.
Coding change: c.2746G>A on transcript NM_001277115.2 (MANE Select); coding-DNA position 2746, G replaced by A.
Protein change: p.Val916Met; replaces valine 916 with methionine.
Molecular consequence: missense variant.
Genome position (GRCh38, 1-based): chr7:21,599,865, G>A. VCF-style: chr7-21599865-G-A. GRCh37 (hg19) VCF-style: chr7-21639483-G-A.
Other names: short protein forms V916M.
Identifiers: ClinVar variation 4869923 (VCV004869923.1).

ClinVar aggregate classification (germline): Uncertain significance (1 of 4 stars; one submission).

Conditions:
Primary ciliary dyskinesia. Also called: Ciliary dyskinesia. Identifiers: Orphanet 244, MedGen C0008780, MONDO:0016575, HP:0012265.

Submission:

Ambry Genetics
Classification: Uncertain significance for Primary ciliary dyskinesia. Last evaluated: 2026-05-17. Review status: criteria provided, single submitter. Criteria: Ambry Variant Classification Scheme 2023. Collection method: clinical testing. Allele origin: germline.
Comment: The p.V916M variant (also known as c.2746G>A), located in coding exon 15 of the DNAH11 gene, results from a G to A substitution at nucleotide position 2746. The valine at codon 916 is replaced by methionine, an amino acid with highly similar properties. This amino acid position is conserved. In addition, this alteration is predicted to be tolerated by in silico analysis. Based on the available evidence, the clinical significance of this variant remains unclear.